The following is an entry in ClinVar:

ClinVar aggregate classification (germline): Conflicting classifications of pathogenicity. Review status: criteria provided, conflicting classifications (1 of 4 stars). 2 submissions from 2 submitters: Likely pathogenic (1); Uncertain significance (1). Last evaluated 2025-10-01.

Conditions:
Alport syndrome. Also called: Hemorrhagic familial nephritis; Hemorrhagic hereditary nephritis; Congenital hereditary hematuria. Identifiers: Orphanet 63, MedGen C1567741, MONDO:0018965.

Allele frequency attached by ClinVar (database versions not stated): gnomAD exomes below 0.00001.
gnomAD v4.1: 1 of 1,605,938 alleles (0.000062%); highest among the groups gnomAD compares: Non-Finnish European, 0.000085%; no homozygotes.

Submissions (2):

Natera, Inc.
Classification: Likely pathogenic for Alport syndrome. Last evaluated: 2025-10-01. Review status: criteria provided, single submitter. Criteria: Natera Variant Classification Schema (03/2026). Collection method: clinical testing. Allele origin: germline.
Comment: The c.145G>C variant in COL4A3 is a missense variant predicted to cause substitution of glycine to arginine at amino acid 49. This variant is rare in the general population with a frequency below the threshold expected for the associated phenotype(s). This variant has been observed in affected individual(s) with monoallelic occurrence (heterozygous/hemizygous) (PMID: 39810285). This variant is located in a functionally critical region of the protein. Computational prediction algorithms indicate this variant is likely to affect gene or protein function. Given the available evidence, this variant is classified as Likely Pathogenic.

Labcorp Genetics (formerly Invitae), Labcorp
Classification: Uncertain significance. Last evaluated: 2025-03-10. Review status: criteria provided, single submitter. Criteria: Invitae Variant Classification Sherloc (09022015). Collection method: clinical testing. Allele origin: germline.
Comment: This sequence change replaces glycine, which is neutral and non-polar, with arginine, which is basic and polar, at codon 49 of the COL4A3 protein (p.Gly49Arg). This variant is not present in population databases (gnomAD no frequency). This missense change has been observed in individual(s) with hematuric nephropathy (PMID: 24854265). ClinVar contains an entry for this variant (Variation ID: 2203277). An algorithm developed to predict the effect of missense changes on protein structure and function (PolyPhen-2) suggests that this variant is likely to be disruptive. In summary, the available evidence is currently insufficient to determine the role of this variant in disease. Therefore, it has been classified as a Variant of Uncertain Significance.

Literature cited by the submitters: PubMed 39810285 (cited by Natera, Inc.); PubMed 24854265 (cited by Labcorp Genetics (formerly Invitae), Labcorp).

NM_000091.5(COL4A3):c.145G>C (p.Gly49Arg)

Genes: COL4A3 (collagen type IV alpha 3 chain; plus strand), MFF-DT (MFF divergent transcript; minus strand). Cytogenetic location: 2q36.3.
Variant type: single nucleotide variant.
Coding change: c.145G>C on transcript NM_000091.5 (MANE Select); coding-DNA position 145, G replaced by C.
Protein change: p.Gly49Arg; replaces glycine 49 with arginine.
Molecular consequence: missense variant.
Genome position (GRCh38, 1-based): chr2:227,240,143, G>C. VCF-style: chr2-227240143-G-C. GRCh37 (hg19) VCF-style: chr2-228104859-G-C.
Other names: short protein forms G49R.
Identifiers: ClinVar variation 2203277 (VCV002203277.3), dbSNP rs1553749403, ClinGen allele CA350859035.